The following is an entry in ClinVar:

NM_015047.3(EMC1):c.373A>G (p.Ser125Gly)

Gene: EMC1 (ER membrane protein complex subunit 1; minus strand). Cytogenetic location: 1p36.13.
Variant type: single nucleotide variant.
Coding change: c.373A>G on transcript NM_015047.3 (MANE Select); coding-DNA position 373, A replaced by G.
Protein change: p.Ser125Gly; replaces serine 125 with glycine.
Molecular consequence: missense variant.
Genome position (GRCh38, 1-based): chr1:19,243,621, T>C on the plus strand (A>G on the coding strand, the complement: EMC1 is on the minus strand). VCF-style: chr1-19243621-T-C. GRCh37 (hg19) VCF-style: chr1-19570115-T-C.
Other names: c.373A>G, p.Ser125Gly (NM_001271427.2, NM_001271428.2, NM_001375820.1 and 1 more transcripts); c.307A>G, p.Ser103Gly (NM_001271429.2); c.373A>G (NM_015047.1); short protein forms S103G, S125G.
Identifiers: ClinVar variation 1040510 (VCV001040510.9), dbSNP rs142586837, ClinGen allele CA652951.
Genomic context (GRCh38, chr1:19,243,621, plus strand): 5'-TGTTCCGGTGAAGCCTTTAACTCAGTCAAGATAAAATCCAGTTTCTCCCCTACCTGCCAC[T>C]GTCCAGGGTTATCTCCCAGTTCAGGCCCCCGATGTTAGTCTCCCAGGAACGCATGATTCG-3'
Protein context (NP_055862.1, residues 115-135): GGLNWEITLD[Ser125Gly]GSFQALGLVG

ClinVar aggregate classification (germline): Uncertain significance. Review status: criteria provided, multiple submitters, no conflicts (2 of 4 stars). 2 submissions from 2 submitters: Uncertain significance (2). Last evaluated 2025-12-01.

Conditions:
Inborn genetic diseases. Identifiers: MedGen C0950123, MeSH D030342.

Allele frequency attached by ClinVar (database versions not stated): ExAC 0.00005; TOPMed 0.00011; ESP Exome Variant Server 0.00015; 1000 Genomes Project 30x 0.00016; 1000 Genomes Project 0.00020.
gnomAD v4.1: 32 of 1,614,034 alleles (0.002%); highest among the groups gnomAD compares: African/African-American, 0.043%; no homozygotes.

Submissions (2):

Labcorp Genetics (formerly Invitae), Labcorp
Classification: Uncertain significance. Last evaluated: 2025-12-01. Review status: criteria provided, single submitter. Criteria: Invitae Variant Classification Sherloc (09022015). Collection method: clinical testing. Allele origin: germline.
Comment: This sequence change replaces serine, which is neutral and polar, with glycine, which is neutral and non-polar, at codon 125 of the EMC1 protein (p.Ser125Gly). The frequency data for this variant in the population databases is considered unreliable, as metrics indicate poor data quality at this position in the gnomAD database. This variant has not been reported in the literature in individuals affected with EMC1-related conditions. ClinVar contains an entry for this variant (Variation ID: 1040510). Invitae Evidence Modeling of protein sequence and biophysical properties (such as structural, functional, and spatial information, amino acid conservation, physicochemical variation, residue mobility, and thermodynamic stability) indicates that this missense variant is not expected to disrupt EMC1 protein function with a negative predictive value of 80%. In summary, the available evidence is currently insufficient to determine the role of this variant in disease. Therefore, it has been classified as a Variant of Uncertain Significance.

Ambry Genetics
Classification: Uncertain significance for Inborn genetic diseases. Last evaluated: 2025-03-26. Review status: criteria provided, single submitter. Criteria: Ambry Variant Classification Scheme 2023. Collection method: clinical testing. Allele origin: germline.